The following is an entry in ClinVar:

ClinVar aggregate classification (germline): Uncertain significance (1 of 4 stars; one submission).

Conditions:
Axenfeld-Rieger syndrome type 3 (RIEG3). Also called: AXENFELD-RIEGER ANOMALY WITH CARDIAC DEFECTS AND/OR SENSORINEURAL HEARING LOSS. Identifiers: Orphanet 782, MedGen C2678503, MONDO:0011233, OMIM 602482.

Submission:

Labcorp Genetics (formerly Invitae), Labcorp
Classification: Uncertain significance for Axenfeld-Rieger syndrome type 3. Last evaluated: 2022-05-27. Review status: criteria provided, single submitter. Criteria: Invitae Variant Classification Sherloc (09022015). Collection method: clinical testing. Allele origin: germline.
Comment: This sequence change replaces alanine, which is neutral and non-polar, with threonine, which is neutral and polar, at codon 299 of the FOXC1 protein (p.Ala299Thr). This variant is not present in population databases (gnomAD no frequency). This variant has not been reported in the literature in individuals affected with FOXC1-related conditions. Algorithms developed to predict the effect of missense changes on protein structure and function are either unavailable or do not agree on the potential impact of this missense change (SIFT: "Deleterious"; PolyPhen-2: "Not Available"; Align-GVGD: "Class C0"). In summary, the available evidence is currently insufficient to determine the role of this variant in disease. Therefore, it has been classified as a Variant of Uncertain Significance.

NM_001453.3(FOXC1):c.895G>A (p.Ala299Thr)

Gene: FOXC1 (forkhead box C1; plus strand). Cytogenetic location: 6p25.3.
Variant type: single nucleotide variant.
Coding change: c.895G>A on transcript NM_001453.3 (MANE Select); coding-DNA position 895, G replaced by A.
Protein change: p.Ala299Thr; replaces alanine 299 with threonine.
Molecular consequence: missense variant.
Genome position (GRCh38, 1-based): chr6:1,611,340, G>A. VCF-style: chr6-1611340-G-A. GRCh37 (hg19) VCF-style: chr6-1611575-G-A.
Other names: short protein forms A299T.
Identifiers: ClinVar variation 2097357 (VCV002097357.4), dbSNP rs2480504612, ClinGen allele CA362559792.